The following is an entry in ClinVar:

ClinVar aggregate classification (germline): Uncertain significance (1 of 4 stars; one submission).

Conditions:
Congenital myasthenic syndrome 2C. Also called: Myasthenic syndrome, congenital, 2C, associated with acetylcholine receptor deficiency. Identifiers: Orphanet 590, MedGen C4225373, MONDO:0014582, OMIM 616314.

Submission:

Pediatric Neurology, Ankara Etlik City Hospital, Health Sciences University
Classification: Uncertain significance for Congenital myasthenic syndrome 2C. Last evaluated: 2026-04-14. Review status: criteria provided, single submitter. Criteria: ACMG Guidelines, 2015. Collection method: clinical testing. Allele origin: germline. Inheritance: Autosomal recessive inheritance. Affected: yes. Observed: 1 variant allele, 1 heterozygote.
Comment: PP3 PM2

NM_000747.3(CHRNB1):c.772C>T (p.Leu258Phe)

Gene: CHRNB1 (cholinergic receptor nicotinic beta 1 subunit; plus strand). Cytogenetic location: 17p13.1.
Variant type: single nucleotide variant.
Coding change: c.772C>T on transcript NM_000747.3 (MANE Select); coding-DNA position 772, C replaced by T.
Protein change: p.Leu258Phe; replaces leucine 258 with phenylalanine.
Molecular consequence: missense variant.
Genome position (GRCh38, 1-based): chr17:7,448,740, C>T. VCF-style: chr17-7448740-C-T. GRCh37 (hg19) VCF-style: chr17-7352059-C-T.
Other names: short protein forms L258F.
Identifiers: ClinVar variation 4845291 (VCV004845291.1).